The following is an entry in ClinVar:

ClinVar aggregate classification (germline): Uncertain significance (1 of 4 stars; one submission).

Conditions:
Sulfite oxidase deficiency due to molybdenum cofactor deficiency type A. Also called: Molybdenum cofactor deficiency, complementation group A; Molybdenum Cofactor Deficiency A. Identifiers: Orphanet 308386, Orphanet 833, MedGen C1854988, MONDO:0009643, OMIM 252150.

Submission:

Labcorp Genetics (formerly Invitae), Labcorp
Classification: Uncertain significance for Sulfite oxidase deficiency due to molybdenum cofactor deficiency type A. Last evaluated: 2024-12-05. Review status: criteria provided, single submitter. Criteria: Invitae Variant Classification Sherloc (09022015). Collection method: clinical testing. Allele origin: germline.
Comment: This sequence change falls in intron 9 of the MOCS1 gene. It does not directly change the encoded amino acid sequence of the MOCS1 protein. The frequency data for this variant in the population databases is considered unreliable, as metrics indicate poor data quality at this position in the gnomAD database. This variant has not been reported in the literature in individuals affected with MOCS1-related conditions. ClinVar contains an entry for this variant (Variation ID: 2961439). Experimental studies and prediction algorithms are not available or were not evaluated, and the effect of this variant on mRNA splicing is currently unknown. In summary, the available evidence is currently insufficient to determine the role of this variant in disease. Therefore, it has been classified as a Variant of Uncertain Significance.

NM_001358530.2(MOCS1):c.1103-37_1103-19dup

Gene: MOCS1 (molybdenum cofactor synthesis 1; minus strand). Cytogenetic location: 6p21.2.
Variant type: Duplication.
Coding change: c.1103-37_1103-19dup on transcript NM_001358530.2 (MANE Select); 37 bases into the intron before coding-DNA position 1103 through 19 bases into the intron before coding-DNA position 1103, 19 bases duplicated (TGCTTTCCTCTCCCTCCCC).
Molecular consequence: intron variant.
Genome position (GRCh38, 1-based): chr6:39,909,121-39,909,139, GGGGAGGGAGAGGAAAGCA duplicated on the plus strand (TGCTTTCCTCTCCCTCCCC on the coding strand, the reverse complement: MOCS1 is on the minus strand); duplicating any 19 consecutive bases within chr6:39,909,121-39,909,147 gives the same sequence; the c. name uses the placement nearest the transcript's 3' end. VCF-style (leftmost placement, unchanged base first): chr6-39909120-T-TGGGGAGGGAGAGGAAAGCA. GRCh37 (hg19) VCF-style: chr6-39876896-T-TGGGGAGGGAGAGGAAAGCA.
Other names: c.842-37_842-19dup (NM_001358534.2, NM_001358531.2, NM_001358533.2); c.1103-37_1103-19dup (NM_005943.6, NM_001075098.4); c.1102+696_1102+714dup (NM_001358529.2).
Identifiers: ClinVar variation 2961439 (VCV002961439.3), dbSNP rs1562085446, ClinGen allele CA566708562.